The following is an entry in ClinVar:

NM_001903.5(CTNNA1):c.1097C>T (p.Ser366Phe)

Gene: CTNNA1 (catenin alpha 1; plus strand). Cytogenetic location: 5q31.2.
Variant type: single nucleotide variant.
Coding change: c.1097C>T on transcript NM_001903.5 (MANE Select); coding-DNA position 1097, C replaced by T.
Protein change: p.Ser366Phe; replaces serine 366 with phenylalanine.
Molecular consequence: missense variant. On other transcripts: 5 prime UTR variant (26), intron variant (2).
Genome position (GRCh38, 1-based): chr5:138,886,246, C>T. VCF-style: chr5-138886246-C-T. GRCh37 (hg19) VCF-style: chr5-138221935-C-T.
Other names: c.1097C>T, p.Ser366Phe (NM_001290307.3, NM_001323982.2, NM_001323983.1 and 3 more transcripts); c.788C>T, p.Ser263Phe (NM_001290309.3); c.728C>T, p.Ser243Phe (NM_001290310.3); c.-14C>T (NM_001290312.1, NM_001323987.1, NM_001323988.1 and 18 more transcripts); c.-411C>T (NM_001324006.1, NM_001324007.1, NM_001324008.1 and 1 more transcripts); c.-286C>T (NM_001324013.1); c.-58+10649C>T (NM_001324012.1); c.-61+10649C>T (NM_001324010.1); short protein forms S243F, S366F, S263F.
Identifiers: ClinVar variation 1484668 (VCV001484668.8), dbSNP rs1753998251, ClinGen allele CA361132545.
Genomic context (GRCh38, chr5:138,886,246, plus strand): 5'-TGCTCATCTCTTTTCCTTTTATCCAGGCTGGACGTAAAGAAAGAAGTGATGCACTCAATT[C>T]TGCAATAGATAAAATGACCAAGAAGACCAGGGACTTGCGTAGACAGGTAATCTGGATGAA-3'
Protein context (NP_001894.2, residues 356-376): GRKERSDALN[Ser366Phe]AIDKMTKKTR

ClinVar aggregate classification (germline): Uncertain significance. Review status: criteria provided, multiple submitters, no conflicts (2 of 4 stars). 2 submissions from 2 submitters: Uncertain significance (2). Last evaluated 2025-12-14.

Conditions:
Hereditary cancer-predisposing syndrome. Also called: Hereditary neoplastic syndrome; Neoplastic Syndromes, Hereditary; Hereditary Cancer Syndrome; Tumor predisposition. Identifiers: Orphanet 140162, MedGen C0027672, MeSH D009386, MONDO:0015356.

Allele frequency attached by ClinVar (database versions not stated): gnomAD exomes below 0.00001; TOPMed below 0.00001.
gnomAD v4.1: 1 of 1,611,176 alleles (0.000062%); highest among the groups gnomAD compares: Non-Finnish European, 0.000085%; no homozygotes.

Submissions (2):

Labcorp Genetics (formerly Invitae), Labcorp
Classification: Uncertain significance. Last evaluated: 2025-12-14. Review status: criteria provided, single submitter. Criteria: Invitae Variant Classification Sherloc (09022015). Collection method: clinical testing. Allele origin: germline.
Comment: This sequence change replaces serine, which is neutral and polar, with phenylalanine, which is neutral and non-polar, at codon 366 of the CTNNA1 protein (p.Ser366Phe). This variant is not present in population databases (gnomAD no frequency). This variant has not been reported in the literature in individuals affected with CTNNA1-related conditions. ClinVar contains an entry for this variant (Variation ID: 1484668). Invitae Evidence Modeling of protein sequence and biophysical properties (such as structural, functional, and spatial information, amino acid conservation, physicochemical variation, residue mobility, and thermodynamic stability) indicates that this missense variant is not expected to disrupt CTNNA1 protein function with a negative predictive value of 80%. In summary, the available evidence is currently insufficient to determine the role of this variant in disease. Therefore, it has been classified as a Variant of Uncertain Significance.

Ambry Genetics
Classification: Uncertain significance for Hereditary cancer-predisposing syndrome. Last evaluated: 2022-10-22. Review status: criteria provided, single submitter. Criteria: Ambry Variant Classification Scheme 2023. Collection method: clinical testing. Allele origin: germline.
Comment: The p.S366F variant (also known as c.1097C>T), located in coding exon 7 of the CTNNA1 gene, results from a C to T substitution at nucleotide position 1097. The serine at codon 366 is replaced by phenylalanine, an amino acid with highly dissimilar properties. This amino acid position is conserved. In addition, this alteration is predicted to be tolerated by in silico analysis. Since supporting evidence is limited at this time, the clinical significance of this alteration remains unclear.